The following is an entry in ClinVar:

ClinVar aggregate classification (germline): Likely benign (1 of 4 stars; one submission).

Allele frequency attached by ClinVar (database versions not stated): gnomAD exomes below 0.00001.

Submission:

CeGaT Center for Human Genetics Tuebingen
Classification: Likely benign. Last evaluated: 2023-04-01. Review status: criteria provided, single submitter. Criteria: CeGaT Center For Human Genetics Tuebingen Variant Classification Criteria Version 2. Collection method: clinical testing. Allele origin: germline. Affected: yes. Observed: 1 variant allele.
Comment: EPOR: PM2:Supporting, BP4, BP7

NM_000121.4(EPOR):c.451C>T (p.Leu151=)

Gene: EPOR (erythropoietin receptor; minus strand). Cytogenetic location: 19p13.2.
Variant type: single nucleotide variant.
Coding change: c.451C>T on transcript NM_000121.4 (MANE Select); coding-DNA position 451, C replaced by T.
Protein change: p.Leu151=; no amino-acid change (leucine 151 retained).
Molecular consequence: synonymous variant. On other transcripts: non-coding transcript variant (1).
Genome position (GRCh38, 1-based): chr19:11,381,826, G>A on the plus strand (C>T on the coding strand, the complement: EPOR is on the minus strand). VCF-style: chr19-11381826-G-A. GRCh37 (hg19) VCF-style: chr19-11492502-G-A.
Identifiers: ClinVar variation 2649328 (VCV002649328.24), dbSNP rs2512419965, ClinGen allele CA505749024.
Genomic context (GRCh38, chr19:11,381,826, plus strand): 5'-CAGGCGGCGGGAGCCAGCGCAACACTACGTGGCCGCTCTCGTCAGCCAACCGCGCCACCA[G>A]CCCCACGGGGGCGTCTAGGAGCACTGCAGGCATGGGGGTTGGTCAGGTGGGCGAGGACTG-3'
Protein context (NP_000112.1, residues 141-161): EVVLLDAPVG[Leu151=]VARLADESGH